The following is an entry in ClinVar:

NM_001111125.3(IQSEC2):c.1455G>C (p.Gly485=)

Gene: IQSEC2 (IQ motif and Sec7 domain ArfGEF 2; minus strand). Cytogenetic location: Xp11.22.
Variant type: single nucleotide variant.
Coding change: c.1455G>C on transcript NM_001111125.3 (MANE Select); coding-DNA position 1455, G replaced by C.
Protein change: p.Gly485=; no amino-acid change (glycine 485 retained).
Molecular consequence: synonymous variant.
Genome position (GRCh38, 1-based): chrX:53,251,121, C>G on the plus strand (G>C on the coding strand, the complement: IQSEC2 is on the minus strand). VCF-style: chrX-53251121-C-G. GRCh37 (hg19) VCF-style: chrX-53280303-C-G.
Other names: c.1455G>C, p.Gly485= (NM_001410736.1); c.840G>C, p.Gly280= (NM_015075.2).
Identifiers: ClinVar variation 2660604 (VCV002660604.24), dbSNP rs2519811030, ClinGen allele CA516431135.

ClinVar aggregate classification (germline): Likely benign (1 of 4 stars; one submission).

Submission:

CeGaT Center for Human Genetics Tuebingen
Classification: Likely benign. Last evaluated: 2022-10-01. Review status: criteria provided, single submitter. Criteria: CeGaT Center For Human Genetics Tuebingen Variant Classification Criteria Version 2. Collection method: clinical testing. Allele origin: germline. Affected: yes. Observed: 1 variant allele.
Comment: IQSEC2: PM2:Supporting, BP4, BP7